The following is an entry in ClinVar:

NM_025114.4(CEP290):c.133del (p.Gln45fs)

Gene: CEP290 (centrosomal protein 290; minus strand). Cytogenetic location: 12q21.32.
Variant type: Deletion.
Coding change: c.133del on transcript NM_025114.4 (MANE Select); coding-DNA position 133, one base deleted (C; older notation c.133delC).
Protein change: p.Gln45fs; shifts the reading frame from glutamine 45.
Molecular consequence: frameshift variant.
Genome position (GRCh38, 1-based): chr12:88,141,003, G deleted on the plus strand (C on the coding strand, the reverse complement: CEP290 is on the minus strand). VCF-style (leftmost placement, unchanged base first): chr12-88141002-TG-T. GRCh37 (hg19) VCF-style: chr12-88534779-TG-T.
Other names: short protein forms Q45fs.
Identifiers: ClinVar variation 2036819 (VCV002036819.4), dbSNP rs2501852178, ClinGen allele CA2580086732.

ClinVar aggregate classification (germline): Pathogenic (1 of 4 stars; one submission).

Conditions:
Joubert syndrome. Also called: CEREBELLOPARENCHYMAL DISORDER IV; JOUBERT-BOLTSHAUSER SYNDROME; Familial aplasia of the vermis. Identifiers: Orphanet 475, MedGen C5979921, MONDO:0018772.
Nephronophthisis. Also called: Juvenile Nephronophthisis. Identifiers: Orphanet 655, MedGen C0687120, MONDO:0019005, HP:0000090.
Meckel-Gruber syndrome. Also called: DYSENCEPHALIA SPLANCHNOCYSTICA; GRUBER SYNDROME; Dysencephalia splachnocystica. Identifiers: Orphanet 564, MedGen C0265215, MONDO:0018921.

Submission:

Labcorp Genetics (formerly Invitae), Labcorp
Classification: Pathogenic for Joubert syndrome; Meckel-Gruber syndrome; Nephronophthisis. Last evaluated: 2022-10-26. Review status: criteria provided, single submitter. Criteria: Invitae Variant Classification Sherloc (09022015). Collection method: clinical testing. Allele origin: germline.
Comment: This sequence change creates a premature translational stop signal (p.Gln45Lysfs*4) in the CEP290 gene. It is expected to result in an absent or disrupted protein product. Loss-of-function variants in CEP290 are known to be pathogenic (PMID: 16909394, 17345604, 20690115). This variant is not present in population databases (gnomAD no frequency). This variant has not been reported in the literature in individuals affected with CEP290-related conditions. For these reasons, this variant has been classified as Pathogenic.

Literature cited by the submitters: PubMed 16909394; PubMed 17345604; PubMed 20690115.